The following is an entry in ClinVar:

NM_001082538.3(TCTN1):c.1309A>G (p.Met437Val)

Gene: TCTN1 (tectonic family member 1; plus strand). Cytogenetic location: 12q24.11.
Variant type: single nucleotide variant.
Coding change: c.1309A>G on transcript NM_001082538.3 (MANE Select); coding-DNA position 1309, A replaced by G.
Protein change: p.Met437Val; replaces methionine 437 with valine.
Molecular consequence: missense variant. On other transcripts: intron variant (2).
Genome position (GRCh38, 1-based): chr12:110,642,367, A>G. VCF-style: chr12-110642367-A-G. GRCh37 (hg19) VCF-style: chr12-111080172-A-G.
Other names: c.1309A>G, p.Met437Val (NM_001082537.3); c.1141A>G, p.Met381Val (NM_001173975.3); c.775A>G, p.Met259Val (NM_001319681.2); c.1267A>G, p.Met423Val (NM_024549.6); c.1010+740A>G (NM_001173976.2); c.1190+740A>G (NM_001319680.2); short protein forms M259V, M423V, M381V, M437V.
Identifiers: ClinVar variation 1396368 (VCV001396368.11), dbSNP rs777277575, ClinGen allele CA6786862.

ClinVar aggregate classification (germline): Uncertain significance (1 of 4 stars; one submission).

Conditions:
Joubert syndrome. Also called: CEREBELLOPARENCHYMAL DISORDER IV; JOUBERT-BOLTSHAUSER SYNDROME; Familial aplasia of the vermis. Identifiers: Orphanet 475, MedGen C5979921, MONDO:0018772.
Meckel-Gruber syndrome. Also called: DYSENCEPHALIA SPLANCHNOCYSTICA; GRUBER SYNDROME; Dysencephalia splachnocystica. Identifiers: Orphanet 564, MedGen C0265215, MONDO:0018921.

Allele frequency attached by ClinVar (database versions not stated): gnomAD exomes below 0.00001 and 0.00001; ExAC 0.00001; gnomAD 0.00001.
gnomAD v4.1: 3 of 1,614,182 alleles (0.00019%); highest among the groups gnomAD compares: African/African-American, 0.0013%; no homozygotes.

Submission:

Labcorp Genetics (formerly Invitae), Labcorp
Classification: Uncertain significance for Joubert syndrome; Meckel-Gruber syndrome. Last evaluated: 2022-09-27. Review status: criteria provided, single submitter. Criteria: Invitae Variant Classification Sherloc (09022015). Collection method: clinical testing. Allele origin: germline.
Comment: ClinVar contains an entry for this variant (Variation ID: 1396368). This variant has not been reported in the literature in individuals affected with TCTN1-related conditions. This variant is present in population databases (rs777277575, gnomAD 0.002%). This sequence change replaces methionine, which is neutral and non-polar, with valine, which is neutral and non-polar, at codon 437 of the TCTN1 protein (p.Met437Val). Advanced modeling of protein sequence and biophysical properties (such as structural, functional, and spatial information, amino acid conservation, physicochemical variation, residue mobility, and thermodynamic stability) performed at Invitae indicates that this missense variant is not expected to disrupt TCTN1 protein function. In summary, the available evidence is currently insufficient to determine the role of this variant in disease. Therefore, it has been classified as a Variant of Uncertain Significance.